The following is an entry in ClinVar:

NM_030787.4(CFHR5):c.486A>G (p.Lys162=)

Gene: CFHR5 (complement factor H related 5; plus strand). Cytogenetic location: 1q31.3.
Variant type: single nucleotide variant.
Coding change: c.486A>G on transcript NM_030787.4 (MANE Select); coding-DNA position 486, A replaced by G.
Protein change: p.Lys162=; no amino-acid change (lysine 162 retained).
Molecular consequence: synonymous variant.
Genome position (GRCh38, 1-based): chr1:196,994,135, A>G. VCF-style: chr1-196994135-A-G. GRCh37 (hg19) VCF-style: chr1-196963265-A-G.
Other names: p.Lys162=.
Identifiers: ClinVar variation 2056269 (VCV002056269.7), dbSNP rs77344042, ClinGen allele CA1307762.

ClinVar aggregate classification (germline): Benign/Likely benign. Review status: criteria provided, multiple submitters, no conflicts (2 of 4 stars). 4 submissions from 4 submitters: Benign (2); Likely benign (2). Last evaluated 2026-01-22.

Allele frequency attached by ClinVar (database versions not stated): gnomAD exomes 0.00021; ExAC 0.00060; gnomAD 0.00206; ESP Exome Variant Server 0.00215; TOPMed 0.00237; 1000 Genomes Project 0.00280; 1000 Genomes Project 30x 0.00312.
gnomAD v4.1: 623 of 1,613,690 alleles (0.039%); highest among the groups gnomAD compares: African/African-American, 0.71%; 6 homozygotes.

Submissions (4):

Women's Health and Genetics/Laboratory Corporation of America, LabCorp
Classification: Benign. Last evaluated: 2026-01-22. Review status: criteria provided, single submitter. Criteria: LabCorp Variant Classification Summary - May 2015. Collection method: clinical testing. Allele origin: germline.

Labcorp Genetics (formerly Invitae), Labcorp
Classification: Benign. Last evaluated: 2025-12-15. Review status: criteria provided, single submitter. Criteria: Invitae Variant Classification Sherloc (09022015). Collection method: clinical testing. Allele origin: germline.

Mayo Clinic Laboratories, Mayo Clinic
Classification: Likely benign. Last evaluated: 2025-06-30. Review status: criteria provided, single submitter. Criteria: ACMG Guidelines, 2015. Collection method: clinical testing. Allele origin: germline. Observed: 10 variant alleles.
Comment: BP4, BP7

Blueprint Genetics
Classification: Likely benign. Last evaluated: 2024-10-08. Review status: criteria provided, single submitter. Criteria: ACMG Guidelines, 2015. Collection method: clinical testing. Allele origin: germline.